The following is an entry in ClinVar:

ClinVar aggregate classification (germline): Likely pathogenic. Review status: criteria provided, multiple submitters, no conflicts (2 of 4 stars). 2 submissions from 2 submitters: Likely pathogenic (2). Last evaluated 2025-12-29.

Conditions:
Hyperlipidemia, familial combined, LPL related (FCHL3). Also called: Hyperapobetalipoproteinemia. Identifiers: MedGen C0020474, MONDO:0007759, OMIM 144250, HP:0008158.
Hyperlipoproteinemia, type I. Also called: Familial hyperlipo-proteinemia type 1; Hyperlipemia essential familial; HYPERLIPOPROTEINEMIA, TYPE IA; LPL DEFICIENCY; Lipoprotein Lipase Deficiency; Lipase D deficiency. Identifiers: Orphanet 309015, Orphanet 444490, MedGen C0023817, MONDO:0009387, OMIM 238600. Disease mechanism: loss of function.

Submissions (2):

Labcorp Genetics (formerly Invitae), Labcorp
Classification: Likely pathogenic. Last evaluated: 2025-12-29. Review status: criteria provided, single submitter. Criteria: Invitae Variant Classification Sherloc (09022015). Collection method: clinical testing. Allele origin: germline.
Comment: This sequence change falls in intron 7 of the LPL gene. It does not directly change the encoded amino acid sequence of the LPL protein. This variant is not present in population databases (gnomAD no frequency). This variant has been observed in individual(s) with clinical features of chylomicronemia (PMID: 29748148; internal data). In at least one individual the data is consistent with being in trans (on the opposite chromosome) from a pathogenic variant. ClinVar contains an entry for this variant (Variation ID: 1392632). Algorithms developed to predict the effect of sequence changes on RNA splicing suggest that this variant may disrupt the consensus splice site. In summary, the currently available evidence indicates that the variant is pathogenic, but additional data are needed to prove that conclusively. Therefore, this variant has been classified as Likely Pathogenic.

Fulgent Genetics
Classification: Likely pathogenic for Hyperlipidemia, familial combined, LPL related; Hyperlipoproteinemia, type I. Last evaluated: 2024-01-12. Review status: criteria provided, single submitter. Criteria: ACMG Guidelines, 2015. Collection method: clinical testing. Allele origin: germline.

Literature cited by the submitters: PubMed 29748148 (cited by Labcorp Genetics (formerly Invitae), Labcorp).

NM_000237.3(LPL):c.1139+7A>G

Gene: LPL (lipoprotein lipase; plus strand). Cytogenetic location: 8p21.3.
Variant type: single nucleotide variant.
Coding change: c.1139+7A>G on transcript NM_000237.3 (MANE Select); 7 bases into the intron after coding-DNA position 1139, A replaced by G.
Molecular consequence: intron variant.
Genome position (GRCh38, 1-based): chr8:19,959,387, A>G. VCF-style: chr8-19959387-A-G. GRCh37 (hg19) VCF-style: chr8-19816898-A-G.
Identifiers: ClinVar variation 1392632 (VCV001392632.9), dbSNP rs2128839227, ClinGen allele CA2573142633.